The following is an entry in ClinVar:

NM_003114.5(SPAG1):c.631C>T (p.Arg211Cys)

Gene: SPAG1 (sperm associated antigen 1; plus strand). Cytogenetic location: 8q22.2.
Variant type: single nucleotide variant.
Coding change: c.631C>T on transcript NM_003114.5 (MANE Select); coding-DNA position 631, C replaced by T.
Protein change: p.Arg211Cys; replaces arginine 211 with cysteine.
Molecular consequence: missense variant.
Genome position (GRCh38, 1-based): chr8:100,184,663, C>T. VCF-style: chr8-100184663-C-T. GRCh37 (hg19) VCF-style: chr8-101196891-C-T.
Other names: c.631C>T, p.Arg211Cys (NM_001374321.1, NM_172218.3); short protein forms R211C.
Identifiers: ClinVar variation 3321742 (VCV003321742.1).
Genomic context (GRCh38, chr8:100,184,663, plus strand): 5'-TATAGCAGATAACATTTATTTCTAGGTCTAACTGAGAAAGAAAAGGATTTTCTTGCCACT[C>T]GTGAAAAGGAGAAAGGAAATGAAGCTTTCAACTCAGGAGATTATGAAGAAGCAGTGATGT-3'
Protein context (NP_003105.2, residues 201-221): TEKEKDFLAT[Arg211Cys]EKEKGNEAFN

ClinVar aggregate classification (germline): Uncertain significance (1 of 4 stars; one submission).

Conditions:
Primary ciliary dyskinesia. Also called: Ciliary dyskinesia. Identifiers: Orphanet 244, MedGen C0008780, MONDO:0016575, HP:0012265.

Submission:

Ambry Genetics
Classification: Uncertain significance for Primary ciliary dyskinesia. Last evaluated: 2024-04-30. Review status: criteria provided, single submitter. Criteria: Ambry Variant Classification Scheme 2023. Collection method: clinical testing. Allele origin: germline.
Comment: The p.R211C variant (also known as c.631C>T), located in coding exon 6 of the SPAG1 gene, results from a C to T substitution at nucleotide position 631. The arginine at codon 211 is replaced by cysteine, an amino acid with highly dissimilar properties. This amino acid position is not well conserved in available vertebrate species. In addition, the in silico prediction for this alteration is inconclusive. Based on the available evidence, the clinical significance of this alteration remains unclear.